The following is an entry in ClinVar:

NM_001351132.2(PEX5):c.131C>G (p.Ala44Gly)

Gene: PEX5 (peroxisomal biogenesis factor 5; plus strand). Cytogenetic location: 12p13.31.
Variant type: single nucleotide variant.
Coding change: c.131C>G on transcript NM_001351132.2 (MANE Select); coding-DNA position 131, C replaced by G.
Protein change: p.Ala44Gly; replaces alanine 44 with glycine.
Molecular consequence: missense variant.
Genome position (GRCh38, 1-based): chr12:7,190,508, C>G. VCF-style: chr12-7190508-C-G. GRCh37 (hg19) VCF-style: chr12-7343104-C-G.
Other names: c.131C>G, p.Ala44Gly (NM_000319.5, NM_001131023.2, NM_001131024.2 and 22 more transcripts); c.131C>G (NM_001131025.1); short protein forms A44G.
Identifiers: ClinVar variation 1043693 (VCV001043693.7), dbSNP rs372992555, ClinGen allele CA232459989.

ClinVar aggregate classification (germline): Uncertain significance. Review status: criteria provided, multiple submitters, no conflicts (2 of 4 stars). 2 submissions from 2 submitters: Uncertain significance (2). Last evaluated 2024-09-30.

Conditions:
Peroxisome biogenesis disorder 2B (PBD2B). Identifiers: Orphanet 44, MedGen C3550234, MONDO:0008736, OMIM 202370.
Inborn genetic diseases. Identifiers: MedGen C0950123, MeSH D030342.

Allele frequency attached by ClinVar (database versions not stated): gnomAD 0.00001; gnomAD exomes 0.00001; TOPMed 0.00003; ESP Exome Variant Server 0.00008.
gnomAD v4.1: 5 of 1,612,068 alleles (0.00031%); highest among the groups gnomAD compares: Non-Finnish European, 0.00042%; no homozygotes.

Submissions (2):

Ambry Genetics
Classification: Uncertain significance for Inborn genetic diseases. Last evaluated: 2024-09-30. Review status: criteria provided, single submitter. Criteria: Ambry Variant Classification Scheme 2023. Collection method: clinical testing. Allele origin: germline.

Labcorp Genetics (formerly Invitae), Labcorp
Classification: Uncertain significance for Peroxisome biogenesis disorder 2B. Last evaluated: 2021-08-25. Review status: criteria provided, single submitter. Criteria: Invitae Variant Classification Sherloc (09022015). Collection method: clinical testing. Allele origin: germline.
Comment: This sequence change replaces alanine with glycine at codon 44 of the PEX5 protein (p.Ala44Gly). The alanine residue is moderately conserved and there is a small physicochemical difference between alanine and glycine. This variant is not present in population databases (ExAC no frequency). This variant has not been reported in the literature in individuals affected with PEX5-related conditions. Algorithms developed to predict the effect of missense changes on protein structure and function (SIFT, PolyPhen-2, Align-GVGD) all suggest that this variant is likely to be tolerated. In summary, the available evidence is currently insufficient to determine the role of this variant in disease. Therefore, it has been classified as a Variant of Uncertain Significance.